The following is an entry in ClinVar:

ClinVar aggregate classification (germline): Uncertain significance (1 of 4 stars; one submission).

gnomAD v4.1: 3 of 1,611,756 alleles (0.00019%); highest among the groups gnomAD compares: Non-Finnish European, 0.00017%; no homozygotes.

Submission:

CeGaT Center for Human Genetics Tuebingen
Classification: Uncertain significance. Last evaluated: 2026-06-01. Review status: criteria provided, single submitter. Criteria: CeGaT Center For Human Genetics Tuebingen Variant Classification Criteria Version 2. Collection method: clinical testing. Allele origin: germline. Affected: yes. Observed: 1 variant allele.
Comment: HERC2: PM2, PM3:Supporting

NM_004667.6(HERC2):c.6172G>C (p.Gly2058Arg)

Gene: HERC2 (HECT and RLD domain containing E3 ubiquitin protein ligase 2; minus strand). Cytogenetic location: 15q13.1.
Variant type: single nucleotide variant.
Coding change: c.6172G>C on transcript NM_004667.6 (MANE Select); coding-DNA position 6172, G replaced by C.
Protein change: p.Gly2058Arg; replaces glycine 2058 with arginine.
Molecular consequence: missense variant.
Genome position (GRCh38, 1-based): chr15:28,215,659, C>G on the plus strand (G>C on the coding strand, the complement: HERC2 is on the minus strand). VCF-style: chr15-28215659-C-G. GRCh37 (hg19) VCF-style: chr15-28460805-C-G.
Other names: short protein forms G2058R.
Identifiers: ClinVar variation 4872692 (VCV004872692.2).